The following is an entry in ClinVar:

NM_001127511.3(APC):c.-65C>T

Gene: APC (APC regulator of Wnt signaling pathway; plus strand). Cytogenetic location: 5q22.2.
Variant type: single nucleotide variant.
Coding change: c.-65C>T on transcript NM_001127511.3; 65 bases upstream of the start codon, C replaced by T.
Molecular consequence: 5 prime UTR variant. On other transcripts: non-coding transcript variant (1), intron variant (5).
Genome position (GRCh38, 1-based): chr5:112,707,653, C>T. VCF-style: chr5-112707653-C-T. GRCh37 (hg19) VCF-style: chr5-112043350-C-T.
Other names: c.-248C>T (NM_001354895.2, NM_001407447.1, NM_001407452.1 and 3 more transcripts); c.-65C>T (NM_001354897.2, NM_001354902.2, NM_001407446.1); c.-1283C>T (NM_001407470.1, NM_001407472.1); c.-19+4C>T (NM_001407448.1, NM_001407450.1, NM_001407457.1 and 1 more transcripts); c.-43+4C>T (NM_001407453.1).
Identifiers: ClinVar variation 469808 (VCV000469808.49), dbSNP rs1473007055, ClinGen allele CA658655902.
Genomic context (GRCh38, chr5:112,707,653, plus strand): 5'-ACCTGCGGGCTCAGGCCCGGGAGCTGCGGACCGAGGTTGGCTCGATGCTGTTCCCAGGTA[C>T]TGTTGTTGGCTGTTGGTGAGGAAGGTGAAGCACTCAGTTGCCTTCTCGGGCCTCGGCGCC-3'

ClinVar aggregate classification (germline): Uncertain significance (1 of 4 stars; one submission).

Conditions:
APC-Associated Polyposis Conditions. Identifiers: MedGen CN381117.
Familial adenomatous polyposis 1 (FAP1). Also called: FAMILIAL ADENOMATOUS POLYPOSIS 1, ATTENUATED; POLYPOSIS, ADENOMATOUS INTESTINAL. Identifiers: MedGen C2713442, MONDO:0021056, OMIM 175100. Disease mechanism: loss of function.

Allele frequency attached by ClinVar (database versions not stated): gnomAD 0.00001; TOPMed 0.00002.
gnomAD v4.1: 45 of 1,363,920 alleles (0.0033%); highest among the groups gnomAD compares: Non-Finnish European, 0.0043%; no homozygotes.

Submission:

Labcorp Genetics (formerly Invitae), Labcorp
Classification: Uncertain significance for Familial adenomatous polyposis 1. Last evaluated: 2025-12-22. Review status: criteria provided, single submitter. Criteria: Invitae Variant Classification Sherloc (09022015). Collection method: clinical testing. Allele origin: germline.
Comment: This variant occurs in a non-coding region of the APC gene. It does not change the encoded amino acid sequence of the APC protein. This variant is not present in population databases (gnomAD no frequency). This variant has not been reported in the literature in individuals affected with APC-related conditions. ClinVar contains an entry for this variant (Variation ID: 469808). Experimental studies and prediction algorithms are not available or were not evaluated, and the functional significance of this variant is currently unknown. In summary, the available evidence is currently insufficient to determine the role of this variant in disease. Therefore, it has been classified as a Variant of Uncertain Significance.